The following is an entry in ClinVar:

ClinVar aggregate classification (germline): Uncertain significance (1 of 4 stars; one submission).

Conditions:
Baller-Gerold syndrome (BGS). Also called: CRANIOSYNOSTOSIS WITH RADIAL DEFECTS. Identifiers: Orphanet 1225, MedGen C0265308, MONDO:0009039, OMIM 218600.

Submission:

Labcorp Genetics (formerly Invitae), Labcorp
Classification: Uncertain significance for Baller-Gerold syndrome. Last evaluated: 2022-02-08. Review status: criteria provided, single submitter. Criteria: Invitae Variant Classification Sherloc (09022015). Collection method: clinical testing. Allele origin: germline.
Comment: This sequence change replaces proline, which is neutral and non-polar, with alanine, which is neutral and non-polar, at codon 483 of the RECQL4 protein (p.Pro483Ala). This variant is not present in population databases (gnomAD no frequency). This variant has not been reported in the literature in individuals affected with RECQL4-related conditions. Experimental studies and prediction algorithms are not available or were not evaluated, and the functional significance of this variant is currently unknown. In summary, the available evidence is currently insufficient to determine the role of this variant in disease. Therefore, it has been classified as a Variant of Uncertain Significance.

NM_004260.4(RECQL4):c.1447C>G (p.Pro483Ala)

Gene: RECQL4 (RecQ like helicase 4; minus strand). Cytogenetic location: 8q24.3.
Variant type: single nucleotide variant.
Coding change: c.1447C>G on transcript NM_004260.4 (MANE Select); coding-DNA position 1447, C replaced by G.
Protein change: p.Pro483Ala; replaces proline 483 with alanine.
Molecular consequence: missense variant.
Genome position (GRCh38, 1-based): chr8:144,515,186, G>C on the plus strand (C>G on the coding strand, the complement: RECQL4 is on the minus strand). VCF-style: chr8-144515186-G-C. GRCh37 (hg19) VCF-style: chr8-145740570-G-C.
Other names: c.310C>G, p.Pro104Ala (NM_001413027.1, NM_001413030.1, NM_001413031.1 and 2 more transcripts); c.376C>G, p.Pro126Ala (NM_001413028.1, NM_001413034.1, NM_001413035.1 and 8 more transcripts); c.1096C>G, p.Pro366Ala (NM_001413029.1); c.1447C>G, p.Pro483Ala (NM_001413033.1, NM_001413036.1, NM_001413018.1 and 2 more transcripts); c.1351C>G, p.Pro451Ala (NM_001413017.1, NM_001413020.1); c.1318C>G, p.Pro440Ala (NM_001413025.1); c.-21C>G (NM_001413043.1); short protein forms P126A, P440A, P104A, P451A, P366A, P483A.
Identifiers: ClinVar variation 2141447 (VCV002141447.4), dbSNP rs2130705887, ClinGen allele CA372684740.
Genomic context (GRCh38, chr8:144,515,186, plus strand): 5'-CTCAGCCCTGGCAGCCACGCTCACCAGACAGGATCCGCATGACTGCACGCTCCTGCCCAG[G>C]GCGAAAGGCTTGGTGCCCCAGCTGCTCCAGGGCCTGGAACACCTCAGCCGGCGTCTCTGC-3'
Protein context (NP_004251.4, residues 473-493): LEQLGHQAFR[Pro483Ala]GQERAVMRIL